The following is an entry in ClinVar:

ClinVar aggregate classification (germline): Likely benign. Review status: criteria provided, multiple submitters, no conflicts (2 of 4 stars). 3 submissions from 3 submitters: Likely benign (2). 1 of the submissions does not count toward it. Last evaluated 2025-03-10.

Conditions:
Rubinstein-Taybi syndrome (RSTS). Identifiers: Orphanet 783, MedGen C0035934, MONDO:0019188.
CREBBP-related disorder. Also called: CREBBP-related disorders; CREBBP-related condition.

gnomAD v4.1: 41 of 1,607,540 alleles (0.0026%); highest among the groups gnomAD compares: Non-Finnish European, 0.0033%; no homozygotes.

Submissions (3):

Labcorp Genetics (formerly Invitae), Labcorp
Classification: Likely benign for Rubinstein-Taybi syndrome. Last evaluated: 2025-03-10. Review status: criteria provided, single submitter. Criteria: Invitae Variant Classification Sherloc (09022015). Collection method: clinical testing. Allele origin: germline.

Blueprint Genetics
Classification: Likely benign. Last evaluated: 2019-11-15. Review status: criteria provided, single submitter. Criteria: ACMG Guidelines, 2015. Collection method: clinical testing. Allele origin: germline.

PreventionGenetics, part of Exact Sciences
Classification: Likely benign for CREBBP-related condition. Last evaluated: 2022-06-21. Review status: no assertion criteria provided. Collection method: clinical testing. Allele origin: germline. Not counted in ClinVar's aggregate classification.
Comment: This variant is classified as likely benign based on ACMG/AMP sequence variant interpretation guidelines (Richards et al. 2015 PMID: 25741868, with internal and published modifications).

NM_004380.3(CREBBP):c.6138G>T (p.Ala2046=)

Gene: CREBBP (CREB binding lysine acetyltransferase; minus strand). Cytogenetic location: 16p13.3.
Variant type: single nucleotide variant.
Coding change: c.6138G>T on transcript NM_004380.3 (MANE Select); coding-DNA position 6138, G replaced by T.
Protein change: p.Ala2046=; no amino-acid change (alanine 2046 retained).
Molecular consequence: synonymous variant.
Genome position (GRCh38, 1-based): chr16:3,728,909, C>A on the plus strand (G>T on the coding strand, the complement: CREBBP is on the minus strand). VCF-style: chr16-3728909-C-A. GRCh37 (hg19) VCF-style: chr16-3778910-C-A.
Other names: c.6024G>T, p.Ala2008= (NM_001079846.1); c.6138G>T (NM_004380.2).
Identifiers: ClinVar variation 2914374 (VCV002914374.6), dbSNP rs371656213, ClinGen allele CA7869175.
Genomic context (GRCh38, chr16:3,728,909, plus strand): 5'-AGCGCTGGGTGAGATGCTCCTGGGTGGCTGCACGCTGGGCATCCGGGGCCCAGCCACGGC[C>A]GCCTGGGCCTGCATGGATATCACAGGCCTGGGCAAGCCTGGCATGGGCTGCTGCTGGGGA-3'
Protein context (NP_004371.2, residues 2036-2056): PRPVISMQAQ[Ala2046=]AVAGPRMPSV